The following is an entry in ClinVar:

ClinVar aggregate classification (germline): Uncertain significance (1 of 4 stars; one submission).

Conditions:
Cardiovascular phenotype. Identifiers: MedGen CN230736.

gnomAD v4.1: 32 of 1,603,172 alleles (0.002%); highest among the groups gnomAD compares: Non-Finnish European, 0.0026%; no homozygotes.

Submission:

Ambry Genetics
Classification: Uncertain significance for Cardiovascular phenotype. Last evaluated: 2026-09-08. Review status: criteria provided, single submitter. Criteria: Ambry Variant Classification Scheme 2023. Collection method: clinical testing. Allele origin: germline.
Comment: The c.-1C>T variant is located in the 5' untranslated region (5&rsquo; UTR) of the MAT2A gene. This variant results from a C to T substitution 1 bases upstream from the first translated codon. This nucleotide position is not well conserved in available vertebrate species. The evidence for this gene-disease relationship is limited; therefore, the clinical significance of this variant is unclear.

NM_005911.6(MAT2A):c.-1C>T

Gene: MAT2A (methionine adenosyltransferase 2A; plus strand). Cytogenetic location: 2p11.2.
Variant type: single nucleotide variant.
Coding change: c.-1C>T on transcript NM_005911.6 (MANE Select); 1 bases upstream of the start codon, C replaced by T.
Molecular consequence: 5 prime UTR variant.
Genome position (GRCh38, 1-based): chr2:85,539,287, C>T. VCF-style: chr2-85539287-C-T. GRCh37 (hg19) VCF-style: chr2-85766410-C-T.
Identifiers: ClinVar variation 5023908 (VCV005023908.1).